The following is an entry in ClinVar:

NM_032620.4(GTPBP3):c.826_834del (p.Ile276_Ser278del)

Gene: GTPBP3 (GTP binding protein 3, mitochondrial; plus strand). Cytogenetic location: 19p13.11.
Variant type: Deletion.
Coding change: c.826_834del on transcript NM_032620.4 (MANE Select); coding-DNA positions 826 to 834, 9 bases deleted (ATCGTGTCC; older notation c.826_834delATCGTGTCC).
Protein change: p.Ile276_Ser278del.
Molecular consequence: inframe deletion.
Genome position (GRCh38, 1-based): chr19:17,339,451-17,339,459, ATCGTGTCC deleted; deleting any 9 consecutive bases within chr19:17,339,445-17,339,459 gives the same sequence; the c. name uses the placement nearest the transcript's 3' end. VCF-style (leftmost placement, unchanged base first): chr19-17339444-TGTGTCCATC-T. GRCh37 (hg19) VCF-style: chr19-17450253-TGTGTCCATC-T.
Other names: c.826_834del, p.Ile276_Ser278del (NM_001128855.3); c.892_900del, p.Ile298_Ser300del (NM_001195422.1); c.922_930del, p.Ile308_Ser310del (NM_133644.4).
Identifiers: ClinVar variation 2095524 (VCV002095524.4), dbSNP rs2513206900, ClinGen allele CA2580096705.

ClinVar aggregate classification (germline): Uncertain significance (1 of 4 stars; one submission).

Submission:

Labcorp Genetics (formerly Invitae), Labcorp
Classification: Uncertain significance. Last evaluated: 2022-02-09. Review status: criteria provided, single submitter. Criteria: Invitae Variant Classification Sherloc (09022015). Collection method: clinical testing. Allele origin: germline.
Comment: This variant, c.922_930del, results in the deletion of 3 amino acid(s) of the GTPBP3 protein (p.Ile308_Ser310del), but otherwise preserves the integrity of the reading frame. This variant is not present in population databases (gnomAD no frequency). This variant has not been reported in the literature in individuals affected with GTPBP3-related conditions. Experimental studies and prediction algorithms are not available or were not evaluated, and the functional significance of this variant is currently unknown. In summary, the available evidence is currently insufficient to determine the role of this variant in disease. Therefore, it has been classified as a Variant of Uncertain Significance.